The following is an entry in ClinVar:

NM_001197104.2(KMT2A):c.11001dup (p.Pro3668fs)

Gene: KMT2A (lysine methyltransferase 2A; plus strand). Cytogenetic location: 11q23.3.
Variant type: Duplication.
Coding change: c.11001dup on transcript NM_001197104.2 (MANE Select); coding-DNA position 11001, one base duplicated (A; older notation c.11001dupA).
Protein change: p.Pro3668fs; shifts the reading frame from proline 3668.
Molecular consequence: frameshift variant.
Genome position (GRCh38, 1-based): chr11:118,510,048, A duplicated; the last of 6 consecutive A bases (chr11:118,510,043-118,510,048); duplicating any one gives the same sequence. VCF-style (leftmost placement, unchanged base first): chr11-118510042-G-GA. GRCh37 (hg19) VCF-style: chr11-118380757-G-GA.
Other names: c.11001dupA (NM_001197104.1); c.10992dup, p.Pro3665fs (NM_005933.4); c.11001dup (NM_001197104.1); short protein forms P3665fs, P3668fs.
Identifiers: ClinVar variation 817699 (VCV000817699.7), dbSNP rs1591292118, ClinGen allele CA915947768.

ClinVar aggregate classification (germline): Pathogenic/Likely pathogenic. Review status: criteria provided, multiple submitters, no conflicts (2 of 4 stars). 3 submissions from 3 submitters: Pathogenic (1); Likely pathogenic (1). 1 of the submissions does not count toward it. Last evaluated 2025-07-16.

Conditions:
Wiedemann-Steiner syndrome (WDSTS). Also called: Growth deficiency and mental retardation with facial dysmorphism. Identifiers: Orphanet 319182, MedGen C1854630, MONDO:0011518, OMIM 605130.
KMT2A-related disorder. Also called: KMT2A-related condition.

Submissions (3):

Division of Genetic & Genomic Pathology, Hong Kong Children's Hospital
Classification: Likely pathogenic for Wiedemann-Steiner syndrome. Last evaluated: 2025-07-16. Review status: criteria provided, single submitter. Criteria: ACMG Guidelines, 2015. Collection method: clinical testing. Allele origin: germline. Affected: yes.
Comment: KMT2A c.11001dup p.(Pro3668Thrfs*8) is a 1-bp duplication located in exon 30 (out of 36 exons) of the gene. It creates a premature stop codon and is predicted to result in nonsense mediated decay. Loss-of-function of KMT2A is an established disease mechanism for Wiedemann-Steiner Syndrome (ClinGen Dosage ID: ISCA- 14169; HI Score=3). The variant is absent in population control databases (gnomAD v4.1.0 and gnomAD v2.1.1). It has been deposited as pathogenic by two submitters in ClinVar (VCV000817699.6) and has been reported in a patient with KMT2A-related disorders (PMID: 35163737). For these reasons, it is classified as likely pathogenic.

GeneDx
Classification: Pathogenic. Last evaluated: 2022-10-06. Review status: criteria provided, single submitter. Criteria: GeneDx Variant Classification Process June 2021. Collection method: clinical testing. Allele origin: germline. Affected: yes.
Comment: Frameshift variant predicted to result in protein truncation or nonsense mediated decay in a gene for which loss-of-function is a known mechanism of disease; Identified in a patient with Wiedemann-Steiner syndrome in published literature (Foroutan et al., 2022); Not observed at significant frequency in large population cohorts (gnomAD); This variant is associated with the following publications: (PMID: 35163737)

PreventionGenetics, part of Exact Sciences
Classification: Pathogenic for KMT2A-related condition. Last evaluated: 2023-11-03. Review status: no assertion criteria provided. Collection method: clinical testing. Allele origin: germline. Not counted in ClinVar's aggregate classification.
Comment: The KMT2A c.11001dupA variant is predicted to result in a frameshift and premature protein termination (p.Pro3668Thrfs*8). This variant has been reported in an individual with Wiedemann–Steiner syndrome (WDSTS) (Foroutan et al. 2022. PubMed ID: 35163737, this individual also reported in Table S1, Levy et al. 2022. PubMed ID: 35904121). This variant has not been reported in a large population database, indicating this variant is rare. Frameshift variants in KMT2A are expected to be pathogenic. This variant is interpreted as pathogenic.

Literature cited by the submitters: PubMed 35163737 (cited by Division of Genetic & Genomic Pathology, Hong Kong Children's Hospital).